The following is an entry in ClinVar:

ClinVar aggregate classification (germline): Uncertain significance (1 of 4 stars; one submission).

Conditions:
Childhood hypophosphatasia. Identifiers: Orphanet 247667, Orphanet 436, MedGen C0220743, MONDO:1010168, OMIM 241510, MONDO:0009428.
Infantile hypophosphatasia. Identifiers: Orphanet 247651, Orphanet 436, MedGen C0268412, MONDO:1010169, OMIM 241500, MONDO:0009427.
Adult hypophosphatasia. Identifiers: Orphanet 247676, Orphanet 436, MedGen C0268413, MONDO:1010154, OMIM 146300, MONDO:0007798.

gnomAD v4.1: 2 of 1,614,136 alleles (0.00012%); highest among the groups gnomAD compares: Non-Finnish European, 0.00017%; no homozygotes.

Submission:

Juno Genomics, Hangzhou Juno Genomics, Inc
Classification: Uncertain significance for Adult hypophosphatasia; Childhood hypophosphatasia; Infantile hypophosphatasia. Review status: criteria provided, single submitter. Criteria: ACMG Guidelines, 2015. Collection method: clinical testing. Allele origin: germline.
Comment: Absent from controls (or at extremely low frequency if recessive) in Genome Aggregation Database.;Multiple lines of computational evidence support a deleterious effect on the gene or gene product.;Located in a mutational hot spot and/or critical and well-established functional domain without benign variation.

NM_000478.6(ALPL):c.797C>T (p.Ser266Phe)

Gene: ALPL (alkaline phosphatase, biomineralization associated; plus strand). Cytogenetic location: 1p36.12.
Variant type: single nucleotide variant.
Coding change: c.797C>T on transcript NM_000478.6 (MANE Select); coding-DNA position 797, C replaced by T.
Protein change: p.Ser266Phe; replaces serine 266 with phenylalanine.
Molecular consequence: missense variant.
Genome position (GRCh38, 1-based): chr1:21,570,309, C>T. VCF-style: chr1-21570309-C-T. GRCh37 (hg19) VCF-style: chr1-21896802-C-T.
Other names: c.632C>T, p.Ser211Phe (NM_001127501.4); c.566C>T, p.Ser189Phe (NM_001177520.3); c.797C>T, p.Ser266Phe (NM_001369803.2, NM_001369804.2, NM_001369805.2); short protein forms S189F, S266F, S211F.
Identifiers: ClinVar variation 5005851 (VCV005005851.2).